The following is an entry in ClinVar:

ClinVar aggregate classification (germline): Uncertain significance (1 of 4 stars; one submission).

Submission:

Labcorp Genetics (formerly Invitae), Labcorp
Classification: Uncertain significance. Last evaluated: 2024-06-03. Review status: criteria provided, single submitter. Criteria: Invitae Variant Classification Sherloc (09022015). Collection method: clinical testing. Allele origin: germline.
Comment: This sequence change replaces lysine, which is basic and polar, with threonine, which is neutral and polar, at codon 857 of the CACNA1E protein (p.Lys857Thr). This variant is not present in population databases (gnomAD no frequency). This variant has not been reported in the literature in individuals affected with CACNA1E-related conditions. Advanced modeling of protein sequence and biophysical properties (such as structural, functional, and spatial information, amino acid conservation, physicochemical variation, residue mobility, and thermodynamic stability) has been performed at Invitae for this missense variant, however the output from this modeling did not meet the statistical confidence thresholds required to predict the impact of this variant on CACNA1E protein function. In summary, the available evidence is currently insufficient to determine the role of this variant in disease. Therefore, it has been classified as a Variant of Uncertain Significance.

NM_001205293.3(CACNA1E):c.2570A>C (p.Lys857Thr)

Gene: CACNA1E (calcium voltage-gated channel subunit alpha1 E; plus strand). Cytogenetic location: 1q25.3.
Variant type: single nucleotide variant.
Coding change: c.2570A>C on transcript NM_001205293.3 (MANE Select); coding-DNA position 2570, A replaced by C.
Protein change: p.Lys857Thr; replaces lysine 857 with threonine.
Molecular consequence: missense variant.
Genome position (GRCh38, 1-based): chr1:181,732,656, A>C. VCF-style: chr1-181732656-A-C. GRCh37 (hg19) VCF-style: chr1-181701792-A-C.
Other names: c.2570A>C, p.Lys857Thr (NM_000721.4); c.2513A>C, p.Lys838Thr (NM_001205294.2); short protein forms K838T, K857T.
Identifiers: ClinVar variation 2843611 (VCV002843611.3), dbSNP rs2528696212, ClinGen allele CA343617798.